The following is an entry in ClinVar:

NM_001382430.1(AKT1):c.664C>T (p.Arg222Cys)

Gene: AKT1 (AKT serine/threonine kinase 1; minus strand). Cytogenetic location: 14q32.33.
Variant type: single nucleotide variant.
Coding change: c.664C>T on transcript NM_001382430.1 (MANE Select); coding-DNA position 664, C replaced by T.
Protein change: p.Arg222Cys; replaces arginine 222 with cysteine.
Molecular consequence: missense variant.
Genome position (GRCh38, 1-based): chr14:104,773,950, G>A on the plus strand (C>T on the coding strand, the complement: AKT1 is on the minus strand). VCF-style: chr14-104773950-G-A. GRCh37 (hg19) VCF-style: chr14-105240287-G-A.
Other names: c.664C>T, p.Arg222Cys (NM_001014431.2, NM_001014432.2, NM_001382431.1 and 3 more transcripts); short protein forms R222C.
Identifiers: ClinVar variation 853500 (VCV000853500.12), dbSNP rs551254461, ClinGen allele CA7374700.

ClinVar aggregate classification (germline): Uncertain significance. Review status: criteria provided, multiple submitters, no conflicts (2 of 4 stars). 3 submissions from 3 submitters: Uncertain significance (3). Last evaluated 2025-03-06.

Conditions:
Cowden syndrome 6 (CWS6). Identifiers: Orphanet 201, MedGen C3554519, MONDO:0014048, OMIM 615109.

Allele frequency attached by ClinVar (database versions not stated): TOPMed below 0.00001; gnomAD 0.00001; gnomAD exomes 0.00001 and 0.00002; ExAC 0.00002; 1000 Genomes Project 30x 0.00031; 1000 Genomes Project 0.00040.

Submissions (3):

3billion
Classification: Uncertain significance for Cowden syndrome 6. Last evaluated: 2025-03-06. Review status: criteria provided, single submitter. Criteria: ACMG Guidelines, 2015. Collection method: clinical testing. Allele origin: germline. Affected: yes.

Labcorp Genetics (formerly Invitae), Labcorp
Classification: Uncertain significance for Cowden syndrome 6. Last evaluated: 2021-06-30. Review status: criteria provided, single submitter. Criteria: Invitae Variant Classification Sherloc (09022015). Collection method: clinical testing. Allele origin: germline.
Comment: In summary, the available evidence is currently insufficient to determine the role of this variant in disease. Therefore, it has been classified as a Variant of Uncertain Significance. Algorithms developed to predict the effect of missense changes on protein structure and function are either unavailable or do not agree on the potential impact of this missense change (SIFT: "Deleterious"; PolyPhen-2: "Benign"; Align-GVGD: "Class C15"). This variant has not been reported in the literature in individuals with AKT1-related conditions. This variant is present in population databases (rs551254461, ExAC 0.01%). This sequence change replaces arginine with cysteine at codon 222 of the AKT1 protein (p.Arg222Cys). The arginine residue is highly conserved and there is a large physicochemical difference between arginine and cysteine.

Breakthrough Genomics
Classification: Uncertain significance. Review status: criteria provided, single submitter. Criteria: ACMG Guidelines, 2015. Collection method: not provided. Allele origin: germline. Inheritance: Autosomal dominant inheritance. Affected: yes.